The following is an entry in ClinVar:

NM_001145026.2(PTPRQ):c.3226C>T (p.Pro1076Ser)

Gene: PTPRQ (protein tyrosine phosphatase receptor type Q; plus strand). Cytogenetic location: 12q21.31.
Variant type: single nucleotide variant.
Coding change: c.3226C>T on transcript NM_001145026.2 (MANE Select); coding-DNA position 3226, C replaced by T.
Protein change: p.Pro1076Ser; replaces proline 1076 with serine.
Molecular consequence: missense variant.
Genome position (GRCh38, 1-based): chr12:80,541,626, C>T. VCF-style: chr12-80541626-C-T. GRCh37 (hg19) VCF-style: chr12-80935405-C-T.
Other names: short protein forms P1076S.
Identifiers: ClinVar variation 3373700 (VCV003373700.2).

ClinVar aggregate classification (germline): Uncertain significance (1 of 4 stars; one submission).

gnomAD v4.1: 47 of 1,548,022 alleles (0.003%); highest among the groups gnomAD compares: Admixed American, 0.0039%; no homozygotes.

Submission:

GeneDx
Classification: Uncertain significance. Last evaluated: 2025-02-13. Review status: criteria provided, single submitter. Criteria: GeneDx Variant Classification Process June 2021. Collection method: clinical testing. Allele origin: germline. Affected: yes.
Comment: In silico analysis supports that this missense variant has a deleterious effect on protein structure/function; Has not been previously published as pathogenic or benign to our knowledge